The following is an entry in ClinVar:

ClinVar aggregate classification (germline): Uncertain significance (1 of 4 stars; one submission).

Submission:

Ambry Genetics
Classification: Uncertain significance. Last evaluated: 2025-01-05. Review status: criteria provided, single submitter. Criteria: Ambry Variant Classification Scheme 2023. Collection method: clinical testing. Allele origin: germline.
Comment: The p.T17I variant (also known as c.50C>T), located in coding exon 1 of the MC1R gene, results from a C to T substitution at nucleotide position 50. The threonine at codon 17 is replaced by isoleucine, an amino acid with similar properties. This amino acid position is conserved. In addition, this alteration is predicted to be tolerated by in silico analysis. Based on the available evidence, the clinical significance of this variant remains unclear.

NM_002386.4(MC1R):c.50C>T (p.Thr17Ile)

Gene: MC1R (melanocortin 1 receptor; plus strand). Cytogenetic location: 16q24.3.
Variant type: single nucleotide variant.
Coding change: c.50C>T on transcript NM_002386.4 (MANE Select); coding-DNA position 50, C replaced by T.
Protein change: p.Thr17Ile; replaces threonine 17 with isoleucine.
Molecular consequence: missense variant.
Genome position (GRCh38, 1-based): chr16:89,919,308, C>T. VCF-style: chr16-89919308-C-T. GRCh37 (hg19) VCF-style: chr16-89985716-C-T.
Other names: short protein forms T17I.
Identifiers: ClinVar variation 3871080 (VCV003871080.1).